The following is an entry in ClinVar:

NM_004311.4(ARL3):c.501+1G>T

Gene: ARL3 (ARF like GTPase 3; minus strand). Cytogenetic location: 10q24.32.
Variant type: single nucleotide variant.
Coding change: c.501+1G>T on transcript NM_004311.4 (MANE Select); the canonical splice donor site of the intron after coding-DNA position 501, G replaced by T.
Molecular consequence: splice donor variant.
Genome position (GRCh38, 1-based): chr10:102,685,815, C>A on the plus strand (G>T on the coding strand, the complement: ARL3 is on the minus strand). VCF-style: chr10-102685815-C-A. GRCh37 (hg19) VCF-style: chr10-104445572-C-A.
Identifiers: ClinVar variation 2813213 (VCV002813213.3), dbSNP rs2492950962, ClinGen allele CA377919682.

ClinVar aggregate classification (germline): Uncertain significance (1 of 4 stars; one submission).

Submission:

Labcorp Genetics (formerly Invitae), Labcorp
Classification: Uncertain significance. Last evaluated: 2022-11-10. Review status: criteria provided, single submitter. Criteria: Invitae Variant Classification Sherloc (09022015). Collection method: clinical testing. Allele origin: germline.
Comment: In summary, the available evidence is currently insufficient to determine the role of this variant in disease. Therefore, it has been classified as a Variant of Uncertain Significance. Variants that disrupt the consensus splice site are a relatively common cause of aberrant splicing (PMID: 17576681, 9536098). Algorithms developed to predict the effect of sequence changes on RNA splicing suggest that this variant may disrupt the consensus splice site. This variant has not been reported in the literature in individuals affected with ARL3-related conditions. This variant is not present in population databases (gnomAD no frequency). This sequence change falls in intron 5 of the ARL3 gene. It does not directly change the encoded amino acid sequence of the ARL3 protein. It affects a nucleotide within the consensus splice site.

Literature cited by the submitters: PubMed 17576681; PubMed 9536098.